The following is an entry in ClinVar:

ClinVar aggregate classification (germline): Conflicting classifications of pathogenicity. Review status: criteria provided, conflicting classifications (1 of 4 stars). 2 submissions from 2 submitters: Pathogenic (1); Uncertain significance (1). Last evaluated 2025-04-11.

gnomAD v4.1: 9 of 1,613,758 alleles (0.00056%); highest among the groups gnomAD compares: Middle Eastern, 0.033%; no homozygotes.

Submissions (2):

Labcorp Genetics (formerly Invitae), Labcorp
Classification: Pathogenic. Last evaluated: 2025-04-11. Review status: criteria provided, single submitter. Criteria: Invitae Variant Classification Sherloc (09022015). Collection method: clinical testing. Allele origin: germline.
Comment: This sequence change creates a premature translational stop signal (p.Arg225*) in the POLG2 gene. It is expected to result in an absent or disrupted protein product. Loss-of-function variants in POLG2 are known to be pathogenic (PMID: 28078310, 29625556). This variant is present in population databases (rs371515325, gnomAD 0.002%). This variant has not been reported in the literature in individuals affected with POLG2-related conditions. ClinVar contains an entry for this variant (Variation ID: 488881). Algorithms developed to predict the effect of sequence changes on RNA splicing suggest that this variant may disrupt the consensus splice site. For these reasons, this variant has been classified as Pathogenic.

GeneDx
Classification: Uncertain significance. Last evaluated: 2016-03-11. Review status: criteria provided, single submitter. Criteria: GeneDx Variant Classification (06012015). Collection method: clinical testing. Allele origin: germline. Affected: yes.
Comment: The R225X variant in the POLG2 gene has not been reported previously as a pathogenic variant nor as a benign variant, to our knowledge. This variant is predicted to cause loss of normal protein function either through protein truncation or nonsense-mediated mRNA decay. The R225X variant was not observed in approximately 6500 individuals of European and African American ancestry in the NHLBI Exome Sequencing Project, indicating it is not a common benign variant in these populations. We interpret R225X as a as a variant of uncertain significance, which may be related to reported muscle weakness, diminished reflexes, hypotonia, difficulty walking, and neuropathic changes on EMG.

Literature cited by the submitters: PubMed 28078310 (cited by Labcorp Genetics (formerly Invitae), Labcorp); PubMed 29625556 (cited by Labcorp Genetics (formerly Invitae), Labcorp).

NM_007215.4(POLG2):c.673C>T (p.Arg225Ter)

Genes: POLG2 (DNA polymerase gamma 2, accessory subunit; minus strand), MILR1 (mast cell immunoglobulin like receptor 1; plus strand). Cytogenetic location: 17q23.3.
Variant type: single nucleotide variant.
Coding change: c.673C>T on transcript NM_007215.4 (MANE Select); coding-DNA position 673, C replaced by T.
Protein change: p.Arg225Ter; replaces arginine 225 with a stop codon.
Molecular consequence: nonsense.
Genome position (GRCh38, 1-based): chr17:64,492,911, G>A on the plus strand (C>T on the coding strand, the complement: POLG2 is on the minus strand). VCF-style: chr17-64492911-G-A. GRCh37 (hg19) VCF-style: chr17-62489028-G-A.
Other names: short protein forms R225*.
Identifiers: ClinVar variation 488881 (VCV000488881.11), dbSNP rs371515325, ClinGen allele CA8712958.